The following is an entry in ClinVar:

ClinVar aggregate classification (germline): Uncertain significance (1 of 4 stars; one submission).

Submission:

GeneDx
Classification: Uncertain significance. Last evaluated: 2023-07-25. Review status: criteria provided, single submitter. Criteria: GeneDx Variant Classification Process June 2021. Collection method: clinical testing. Allele origin: germline. Affected: yes.
Comment: Not observed at significant frequency in large population cohorts (gnomAD); In silico analysis supports that this missense variant does not alter protein structure/function; Has not been previously published as pathogenic or benign to our knowledge

NM_004304.5(ALK):c.829T>C (p.Ser277Pro)

Gene: ALK (ALK receptor tyrosine kinase; minus strand). Cytogenetic location: 2p23.2.
Variant type: single nucleotide variant.
Coding change: c.829T>C on transcript NM_004304.5 (MANE Select); coding-DNA position 829, T replaced by C.
Protein change: p.Ser277Pro; replaces serine 277 with proline.
Molecular consequence: missense variant.
Genome position (GRCh38, 1-based): chr2:29,694,973, A>G on the plus strand (T>C on the coding strand, the complement: ALK is on the minus strand). VCF-style: chr2-29694973-A-G. GRCh37 (hg19) VCF-style: chr2-29917839-A-G.
Other names: short protein forms S277P.
Identifiers: ClinVar variation 3361645 (VCV003361645.1).